The following is an entry in ClinVar:

ClinVar aggregate classification (germline): Uncertain significance (1 of 4 stars; one submission).

Conditions:
Cardiovascular phenotype. Identifiers: MedGen CN230736.

Submission:

Ambry Genetics
Classification: Uncertain significance for Cardiovascular phenotype. Last evaluated: 2021-08-20. Review status: criteria provided, single submitter. Criteria: Ambry Variant Classification Scheme 2023. Collection method: clinical testing. Allele origin: germline.
Comment: The p.V2058I variant (also known as c.6172G>A), located in coding exon 47 of the CACNA1C gene, results from a G to A substitution at nucleotide position 6172. The valine at codon 2058 is replaced by isoleucine, an amino acid with highly similar properties. This amino acid position is not well conserved in available vertebrate species. In addition, this alteration is predicted to be tolerated by in silico analysis. Since supporting evidence is limited at this time, the clinical significance of this alteration remains unclear.

NM_000719.7(CACNA1C):c.6172G>A (p.Val2058Ile)

Genes: CACNA1C (calcium voltage-gated channel subunit alpha1 C; plus strand), CACNA1C-AS1 (CACNA1C antisense RNA 1; minus strand). Cytogenetic location: 12p13.33.
Variant type: single nucleotide variant.
Coding change: c.6172G>A on transcript NM_000719.7 (MANE Select); coding-DNA position 6172, G replaced by A.
Protein change: p.Val2058Ile; replaces valine 2058 with isoleucine.
Molecular consequence: missense variant. On other transcripts: non-coding transcript variant (1).
Genome position (GRCh38, 1-based): chr12:2,690,954, G>A. VCF-style: chr12-2690954-G-A. GRCh37 (hg19) VCF-style: chr12-2800120-G-A.
Other names: c.6316G>A, p.Val2106Ile (NM_001129827.2); c.6295G>A, p.Val2099Ile (NM_001129829.2); c.6277G>A, p.Val2093Ile (NM_001129830.3, NM_001167624.3); c.6256G>A, p.Val2086Ile (NM_001129831.2); c.6232G>A, p.Val2078Ile (NM_001129832.2); c.6229G>A, p.Val2077Ile (NM_001129833.2, NM_001129834.2, NM_001129835.2); c.6223G>A, p.Val2075Ile (NM_001129836.2); c.6196G>A, p.Val2066Ile (NM_001129837.2, NM_001129838.2); and 6 more; short protein forms V2075I, V2078I, V2093I, V2106I, V2064I, V2066I, V2099I, V2141I.
Identifiers: ClinVar variation 1752013 (VCV001752013.2), dbSNP rs2535477881, ClinGen allele CA383386244.
Genomic context (GRCh38, chr12:2,690,954, plus strand): 5'-CTTCAGGTCTTGATTTCAGAAGGACTGGGGCAGTTTGCTCAAGATCCCAAGTTCATCGAG[G>A]TCACCACCCAGGAGCTGGCCGACGCCTGCGACATGACCATAGAGGAGATGGAGAGCGCGG-3'
Protein context (NP_000710.5, residues 2048-2068): QFAQDPKFIE[Val2058Ile]TTQELADACD